The following is an entry in ClinVar:

NM_015662.3(IFT172):c.3586C>T (p.Pro1196Ser)

Genes: IFT172 (intraflagellar transport 172; minus strand), LOC126806173 (BRD4-independent group 4 enhancer GRCh37_chr2:27676057-27677256; plus strand). Cytogenetic location: 2p23.3.
Variant type: single nucleotide variant.
Coding change: c.3586C>T on transcript NM_015662.3 (MANE Select); coding-DNA position 3586, C replaced by T.
Protein change: p.Pro1196Ser; replaces proline 1196 with serine.
Molecular consequence: missense variant.
Genome position (GRCh38, 1-based): chr2:27,454,107, G>A on the plus strand (C>T on the coding strand, the complement: IFT172 is on the minus strand). VCF-style: chr2-27454107-G-A. GRCh37 (hg19) VCF-style: chr2-27676974-G-A.
Other names: short protein forms P1196S.
Identifiers: ClinVar variation 1380560 (VCV001380560.6), dbSNP rs1665955306, ClinGen allele CA346378581.

ClinVar aggregate classification (germline): Uncertain significance (1 of 4 stars; one submission).

Conditions:
Retinitis pigmentosa 71 (RP71). Identifiers: Orphanet 791, MedGen C4225342, MONDO:0014618, OMIM 616394.
Short-rib thoracic dysplasia 10 with or without polydactyly (SRTD10). Identifiers: Orphanet 474, MedGen C3810175, MONDO:0014284, OMIM 615630.

Allele frequency attached by ClinVar (database versions not stated): gnomAD exomes below 0.00001.
gnomAD v4.1: 1 of 1,613,964 alleles (0.000062%); highest among the groups gnomAD compares: Non-Finnish European, 0.000085%; no homozygotes.

Submission:

Labcorp Genetics (formerly Invitae), Labcorp
Classification: Uncertain significance for Retinitis pigmentosa 71; Short-rib thoracic dysplasia 10 with or without polydactyly. Last evaluated: 2022-03-03. Review status: criteria provided, single submitter. Criteria: Invitae Variant Classification Sherloc (09022015). Collection method: clinical testing. Allele origin: germline.
Comment: In summary, the available evidence is currently insufficient to determine the role of this variant in disease. Therefore, it has been classified as a Variant of Uncertain Significance. Algorithms developed to predict the effect of missense changes on protein structure and function are either unavailable or do not agree on the potential impact of this missense change (SIFT: "Deleterious"; PolyPhen-2: "Possibly Damaging"; Align-GVGD: "Class C0"). This variant has not been reported in the literature in individuals affected with IFT172-related conditions. This variant is not present in population databases (gnomAD no frequency). This sequence change replaces proline, which is neutral and non-polar, with serine, which is neutral and polar, at codon 1196 of the IFT172 protein (p.Pro1196Ser).